The following is an entry in ClinVar:

NM_001143831.3(GRM5):c.1407G>A (p.Met469Ile)

Gene: GRM5 (glutamate metabotropic receptor 5; minus strand). Cytogenetic location: 11q14.2.
Variant type: single nucleotide variant.
Coding change: c.1407G>A on transcript NM_001143831.3 (MANE Select); coding-DNA position 1407, G replaced by A.
Protein change: p.Met469Ile; replaces methionine 469 with isoleucine.
Molecular consequence: missense variant.
Genome position (GRCh38, 1-based): chr11:88,597,340, C>T on the plus strand (G>A on the coding strand, the complement: GRM5 is on the minus strand). VCF-style: chr11-88597340-C-T. GRCh37 (hg19) VCF-style: chr11-88330508-C-T.
Other names: c.1407G>A, p.Met469Ile (NM_000842.5, NM_001384268.1); short protein forms M469I.
Identifiers: ClinVar variation 5020652 (VCV005020652.1).
Genomic context (GRCh38, chr11:88,597,340, plus strand): 5'-ATTGTCCCAACTTCCAACGTTGATATAATCAAAGTAATCTTTTCCCATTTCCTTGAAATT[C>T]ATTATTTCATACCTTAGGAATAAGAATATGATAATTATGCAGCTTAAGATGTAAATACTC-3'
Protein context (NP_001137303.1, residues 459-479): NGDSPGRYEI[Met469Ile]NFKEMGKDYF

ClinVar aggregate classification (germline): Uncertain significance (1 of 4 stars; one submission).

Submission:

Dasa
Classification: Uncertain significance. Last evaluated: 2026-04-30. Review status: criteria provided, single submitter. Criteria: DASA Assertion Criteria. Collection method: clinical testing. Allele origin: germline.
Comment: NM_001143831.3(GRM5):c.1407G>A (p.Met469Ile) is a missense variant that results in the substitution of methionine with isoleucine. This variant is rare in population databases. Computational prediction algorithms are consistent with a deleterious effect. The currently available literature and clinical evidence are not sufficient to establish a definitive association between this variant and the reported condition. Therefore, this variant is classified as a variant of uncertain significance.